The following is an entry in ClinVar:

ClinVar aggregate classification (germline): Likely benign (0 of 4 stars; one submission).

Conditions:
CDK9-related disorder. Also called: CDK9-related condition.

Allele frequency attached by ClinVar (database versions not stated): gnomAD exomes below 0.00001.

Submission:

PreventionGenetics, part of Exact Sciences
Classification: Likely benign for CDK9-related condition. Last evaluated: 2024-02-01. Review status: no assertion criteria provided. Collection method: clinical testing. Allele origin: germline.
Comment: This variant is classified as likely benign based on ACMG/AMP sequence variant interpretation guidelines (Richards et al. 2015 PMID: 25741868, with internal and published modifications).

NM_001261.4(CDK9):c.1083C>T (p.Ala361=)

Gene: CDK9 (cyclin dependent kinase 9; plus strand). Cytogenetic location: 9q34.11.
Variant type: single nucleotide variant.
Coding change: c.1083C>T on transcript NM_001261.4 (MANE Select); coding-DNA position 1083, C replaced by T.
Protein change: p.Ala361=; no amino-acid change (alanine 361 retained).
Molecular consequence: synonymous variant.
Genome position (GRCh38, 1-based): chr9:127,789,507, C>T. VCF-style: chr9-127789507-C-T. GRCh37 (hg19) VCF-style: chr9-130551786-C-T.
Identifiers: ClinVar variation 3032843 (VCV003032843.2), dbSNP rs1446657412, ClinGen allele CA467477276.